The following is an entry in ClinVar:

ClinVar aggregate classification (germline): Uncertain significance. Review status: criteria provided, multiple submitters, no conflicts (2 of 4 stars). 2 submissions from 2 submitters: Uncertain significance (2). Last evaluated 2026-03-23.

Conditions:
Cardiovascular phenotype. Identifiers: MedGen CN230736.
Hereditary hemorrhagic telangiectasia (HHT). Also called: ORW DISEASE; Osler Weber Rendu syndrome; OSLER-RENDU-WEBER DISEASE; Osler hemorrhagic telangiectasia syndrome. Identifiers: Orphanet 774, MedGen C0039445, MONDO:0019180. Disease mechanism: loss of function.

gnomAD v4.1: 1 of 1,614,036 alleles (0.000062%); no homozygotes.

Submissions (2):

Ambry Genetics
Classification: Uncertain significance for Cardiovascular phenotype. Last evaluated: 2026-03-23. Review status: criteria provided, single submitter. Criteria: Ambry Variant Classification Scheme 2023. Collection method: clinical testing. Allele origin: germline.
Comment: The p.P338S variant (also known as c.1012C>T), located in coding exon 8 of the ENG gene, results from a C to T substitution at nucleotide position 1012. The proline at codon 338 is replaced by serine, an amino acid with similar properties. This amino acid position is conserved. In addition, this alteration is predicted to be tolerated by in silico analysis. Based on the available evidence, the clinical significance of this variant remains unclear.

Labcorp Genetics (formerly Invitae), Labcorp
Classification: Uncertain significance for Hereditary hemorrhagic telangiectasia. Last evaluated: 2024-04-04. Review status: criteria provided, single submitter. Criteria: Invitae Variant Classification Sherloc (09022015). Collection method: clinical testing. Allele origin: germline.
Comment: This sequence change replaces proline, which is neutral and non-polar, with serine, which is neutral and polar, at codon 338 of the ENG protein (p.Pro338Ser). This variant is not present in population databases (gnomAD no frequency). This variant has not been reported in the literature in individuals affected with ENG-related conditions. Advanced modeling of protein sequence and biophysical properties (such as structural, functional, and spatial information, amino acid conservation, physicochemical variation, residue mobility, and thermodynamic stability) has been performed at Invitae for this missense variant, however the output from this modeling did not meet the statistical confidence thresholds required to predict the impact of this variant on ENG protein function. In summary, the available evidence is currently insufficient to determine the role of this variant in disease. Therefore, it has been classified as a Variant of Uncertain Significance.

NM_001114753.3(ENG):c.1012C>T (p.Pro338Ser)

Gene: ENG (endoglin; minus strand). Cytogenetic location: 9q34.11.
Variant type: single nucleotide variant.
Coding change: c.1012C>T on transcript NM_001114753.3 (MANE Select); coding-DNA position 1012, C replaced by T.
Protein change: p.Pro338Ser; replaces proline 338 with serine.
Molecular consequence: missense variant.
Genome position (GRCh38, 1-based): chr9:127,824,426, G>A on the plus strand (C>T on the coding strand, the complement: ENG is on the minus strand). VCF-style: chr9-127824426-G-A. GRCh37 (hg19) VCF-style: chr9-130586705-G-A.
Other names: c.1012C>T (NM_001114753.1); c.1012C>T, p.Pro338Ser (NM_000118.4, NM_001406715.1); c.466C>T, p.Pro156Ser (NM_001278138.2); short protein forms P338S, P156S.
Identifiers: ClinVar variation 3714868 (VCV003714868.3).